The following is an entry in ClinVar:

ClinVar aggregate classification (germline): Uncertain significance (1 of 4 stars; one submission).

Conditions:
MHC class II deficiency. Also called: Bare lymphocyte syndrome 2; BLS, TYPE II. Identifiers: Orphanet 572, MedGen C5447452, MONDO:0008855.

Allele frequency attached by ClinVar (database versions not stated): gnomAD 0.00001; TOPMed 0.00001.
gnomAD v4.1: 1 of 1,548,800 alleles (0.000065%); highest among the groups gnomAD compares: African/African-American, 0.0014%; no homozygotes.

Submission:

Labcorp Genetics (formerly Invitae), Labcorp
Classification: Uncertain significance for MHC class II deficiency. Last evaluated: 2021-07-22. Review status: criteria provided, single submitter. Criteria: Invitae Variant Classification Sherloc (09022015). Collection method: clinical testing. Allele origin: germline.
Comment: In summary, the available evidence is currently insufficient to determine the role of this variant in disease. Therefore, it has been classified as a Variant of Uncertain Significance. Algorithms developed to predict the effect of missense changes on protein structure and function are either unavailable or do not agree on the potential impact of this missense change (SIFT: "Deleterious"; PolyPhen-2: "Probably Damaging"; Align-GVGD: "Class C0"). This variant has not been reported in the literature in individuals with RFXAP-related conditions. The frequency data for this variant in the population databases is considered unreliable, as metrics indicate insufficient coverage at this position in the ExAC database. This sequence change replaces glycine with glutamic acid at codon 101 of the RFXAP protein (p.Gly101Glu). The glycine residue is highly conserved and there is a moderate physicochemical difference between glycine and glutamic acid.

NM_000538.4(RFXAP):c.302G>A (p.Gly101Glu)

Gene: RFXAP (regulatory factor X associated protein; plus strand). Cytogenetic location: 13q13.3.
Variant type: single nucleotide variant.
Coding change: c.302G>A on transcript NM_000538.4 (MANE Select); coding-DNA position 302, G replaced by A.
Protein change: p.Gly101Glu; replaces glycine 101 with glutamic acid.
Molecular consequence: missense variant.
Genome position (GRCh38, 1-based): chr13:36,819,659, G>A. VCF-style: chr13-36819659-G-A. GRCh37 (hg19) VCF-style: chr13-37393796-G-A.
Other names: short protein forms G101E.
Identifiers: ClinVar variation 949934 (VCV000949934.7), dbSNP rs1474685587, ClinGen allele CA387854608.